The following is an entry in ClinVar:

ClinVar aggregate classification (germline): Uncertain significance. Review status: criteria provided, single submitter (1 of 4 stars). 2 submissions from 2 submitters: Uncertain significance (1). 1 of the submissions does not count toward it. Last evaluated 2025-03-22.

Conditions:
LRRC45-related disorder. Also called: LRRC45-related condition.

gnomAD v4.1: 2 of 1,560,706 alleles (0.00013%); highest among the groups gnomAD compares: Non-Finnish European, 0.00017%; no homozygotes.

Submissions (2):

Ambry Genetics
Classification: Uncertain significance. Last evaluated: 2025-03-22. Review status: criteria provided, single submitter. Criteria: Ambry Variant Classification Scheme 2023. Collection method: clinical testing. Allele origin: germline.

PreventionGenetics, part of Exact Sciences
Classification: Uncertain significance for LRRC45-related condition. Last evaluated: 2024-07-17. Review status: no assertion criteria provided. Collection method: clinical testing. Allele origin: germline. Not counted in ClinVar's aggregate classification.
Comment: The LRRC45 c.123C>G variant is predicted to result in the amino acid substitution p.Ser41Arg. To our knowledge, this variant has not been reported in the literature or in a large population database, indicating this variant is rare. At this time, the clinical significance of this variant is uncertain due to the absence of conclusive functional and genetic evidence.

NM_144999.4(LRRC45):c.123C>G (p.Ser41Arg)

Gene: LRRC45 (leucine rich repeat containing 45; plus strand). Cytogenetic location: 17q25.3.
Variant type: single nucleotide variant.
Coding change: c.123C>G on transcript NM_144999.4 (MANE Select); coding-DNA position 123, C replaced by G.
Protein change: p.Ser41Arg; replaces serine 41 with arginine.
Molecular consequence: missense variant.
Genome position (GRCh38, 1-based): chr17:82,023,766, C>G. VCF-style: chr17-82023766-C-G. GRCh37 (hg19) VCF-style: chr17-79981642-C-G.
Other names: c.123C>G (NM_144999.2); short protein forms S41R.
Identifiers: ClinVar variation 3346727 (VCV003346727.2).
Genomic context (GRCh38, chr17:82,023,766, plus strand): 5'-GGCTGTCCTGCAGCAGCTGCACCAGCTTCCCAGGGGCCGGCTGGACCTGGCCACGCAAAG[C>G]CTGACGGTGGAGACCTGCAGGGCCCTGGGCAAGCTGCTGCCGAGGGAGACGCTGTGCACG-3'
Protein context (NP_659436.1, residues 31-51): PRGRLDLATQ[Ser41Arg]LTVETCRALG